The following is an entry in ClinVar:

NM_014334.4(FRRS1L):c.166G>A (p.Val56Met)

Gene: FRRS1L (ferric chelate reductase 1 like; minus strand). Cytogenetic location: 9q31.3.
Variant type: single nucleotide variant.
Coding change: c.166G>A on transcript NM_014334.4 (MANE Select); coding-DNA position 166, G replaced by A.
Protein change: p.Val56Met; replaces valine 56 with methionine.
Molecular consequence: missense variant.
Genome position (GRCh38, 1-based): chr9:109,166,973, C>T on the plus strand (G>A on the coding strand, the complement: FRRS1L is on the minus strand). VCF-style: chr9-109166973-C-T. GRCh37 (hg19) VCF-style: chr9-111929253-C-T.
Other names: short protein forms V56M.
Identifiers: ClinVar variation 1525130 (VCV001525130.3), dbSNP rs2118523013, ClinGen allele CA374430371.

ClinVar aggregate classification (germline): Uncertain significance (1 of 4 stars; one submission).

Conditions:
Developmental and epileptic encephalopathy, 37 (DEE37). Also called: Epileptic encephalopathy, early infantile, 37. Identifiers: MedGen C4310770, MONDO:0014859, OMIM 616981.

Submission:

Labcorp Genetics (formerly Invitae), Labcorp
Classification: Uncertain significance for Developmental and epileptic encephalopathy, 37. Last evaluated: 2021-08-07. Review status: criteria provided, single submitter. Criteria: Invitae Variant Classification Sherloc (09022015). Collection method: clinical testing. Allele origin: germline.
Comment: This sequence change replaces valine with methionine at codon 107 of the FRRS1L protein (p.Val107Met). The valine residue is weakly conserved and there is a small physicochemical difference between valine and methionine. The frequency data for this variant in the population databases is considered unreliable, as metrics indicate insufficient coverage at this position in the ExAC database. This variant has not been reported in the literature in individuals affected with FRRS1L-related conditions. Algorithms developed to predict the effect of missense changes on protein structure and function (SIFT, PolyPhen-2, Align-GVGD) all suggest that this variant is likely to be tolerated. In summary, the available evidence is currently insufficient to determine the role of this variant in disease. Therefore, it has been classified as a Variant of Uncertain Significance.